The following is an entry in ClinVar:

ClinVar aggregate classification (germline): Uncertain significance. Review status: criteria provided, multiple submitters, no conflicts (2 of 4 stars). 3 submissions from 3 submitters: Uncertain significance (3). Last evaluated 2025-10-20.

Conditions:
Dilated cardiomyopathy 1W (CMD1W). Identifiers: Orphanet 154, MedGen C1969639, MONDO:0012667, OMIM 611407.
Cardiovascular phenotype. Identifiers: MedGen CN230736.

Allele frequency attached by ClinVar (database versions not stated): TOPMed below 0.00001.
gnomAD v4.1: 1 of 1,600,866 alleles (0.000062%); no homozygotes.

Submissions (3):

Labcorp Genetics (formerly Invitae), Labcorp
Classification: Uncertain significance for Dilated cardiomyopathy 1W. Last evaluated: 2025-10-20. Review status: criteria provided, single submitter. Criteria: Invitae Variant Classification Sherloc (09022015). Collection method: clinical testing. Allele origin: germline.
Comment: This sequence change replaces asparagine, which is neutral and polar, with lysine, which is basic and polar, at codon 1078 of the VCL protein (p.Asn1078Lys). This variant is not present in population databases (gnomAD no frequency). This missense change has been observed in individual(s) with dilated cardiomyopathy (internal data). ClinVar contains an entry for this variant (Variation ID: 2162098). An algorithm developed to predict the effect of missense changes on protein structure and function (PolyPhen-2) suggests that this variant is likely to be disruptive. In summary, the available evidence is currently insufficient to determine the role of this variant in disease. Therefore, it has been classified as a Variant of Uncertain Significance.

GeneDx
Classification: Uncertain significance. Last evaluated: 2024-09-17. Review status: criteria provided, single submitter. Criteria: GeneDx Variant Classification Process June 2021. Collection method: clinical testing. Allele origin: germline. Affected: yes.
Comment: Not observed at significant frequency in large population cohorts (gnomAD); In silico analysis indicates that this missense variant does not alter protein structure/function; Has not been previously published as pathogenic or benign to our knowledge

Ambry Genetics
Classification: Uncertain significance for Cardiovascular phenotype. Last evaluated: 2023-12-28. Review status: criteria provided, single submitter. Criteria: Ambry Variant Classification Scheme 2023. Collection method: clinical testing. Allele origin: germline.

NM_014000.3(VCL):c.3234C>A (p.Asn1078Lys)

Gene: VCL (vinculin; plus strand). Cytogenetic location: 10q22.2.
Variant type: single nucleotide variant.
Coding change: c.3234C>A on transcript NM_014000.3 (MANE Select); coding-DNA position 3234, C replaced by A.
Protein change: p.Asn1078Lys; replaces asparagine 1078 with lysine.
Molecular consequence: missense variant.
Genome position (GRCh38, 1-based): chr10:74,114,875, C>A. VCF-style: chr10-74114875-C-A. GRCh37 (hg19) VCF-style: chr10-75874633-C-A.
Other names: c.3030C>A, p.Asn1010Lys (NM_003373.4); short protein forms N1078K, N1010K.
Identifiers: ClinVar variation 2162098 (VCV002162098.6), dbSNP rs933546041, ClinGen allele CA209699547.
Genomic context (GRCh38, chr10:74,114,875, plus strand): 5'-CATAAGCACCCAGCTCAAAATCCTGTCCACAGTGAAGGCCACCATGCTGGGCCGGACCAA[C>A]ATCAGTGATGAGGAGTCTGAGCAGGTATGTGGCAGCTGTTTTTGGTTTCTGGCTGGCAGC-3'
Protein context (NP_054706.1, residues 1068-1088): TVKATMLGRT[Asn1078Lys]ISDEESEQAT